The following is an entry in ClinVar:

ClinVar aggregate classification (germline): Uncertain significance (1 of 4 stars; one submission).

Conditions:
DNA ligase IV deficiency. Identifiers: Orphanet 99812, MedGen C1847827, MONDO:0011686, OMIM 606593.

Allele frequency attached by ClinVar (database versions not stated): gnomAD 0.00001; TOPMed 0.00001; ExAC 0.00002; gnomAD exomes 0.00002 and 0.00004.
gnomAD v4.1: 53 of 1,613,866 alleles (0.0033%); highest among the groups gnomAD compares: East Asian, 0.0067%; no homozygotes.

Submission:

Labcorp Genetics (formerly Invitae), Labcorp
Classification: Uncertain significance for DNA ligase IV deficiency. Last evaluated: 2021-08-28. Review status: criteria provided, single submitter. Criteria: Invitae Variant Classification Sherloc (09022015). Collection method: clinical testing. Allele origin: germline.
Comment: This sequence change replaces arginine with glutamine at codon 802 of the LIG4 protein (p.Arg802Gln). The arginine residue is moderately conserved and there is a small physicochemical difference between arginine and glutamine. This variant is present in population databases (rs772551854, ExAC 0.009%). This variant has not been reported in the literature in individuals affected with LIG4-related conditions. Algorithms developed to predict the effect of missense changes on protein structure and function (SIFT, PolyPhen-2, Align-GVGD) all suggest that this variant is likely to be tolerated. In summary, the available evidence is currently insufficient to determine the role of this variant in disease. Therefore, it has been classified as a Variant of Uncertain Significance.

NM_206937.2(LIG4):c.2405G>A (p.Arg802Gln)

Gene: LIG4 (DNA ligase 4; minus strand). Cytogenetic location: 13q33.3.
Variant type: single nucleotide variant.
Coding change: c.2405G>A on transcript NM_206937.2 (MANE Select); coding-DNA position 2405, G replaced by A.
Protein change: p.Arg802Gln; replaces arginine 802 with glutamine.
Molecular consequence: missense variant.
Genome position (GRCh38, 1-based): chr13:108,208,864, C>T on the plus strand (G>A on the coding strand, the complement: LIG4 is on the minus strand). VCF-style: chr13-108208864-C-T. GRCh37 (hg19) VCF-style: chr13-108861212-C-T.
Other names: c.2405G>A, p.Arg802Gln (NM_001098268.2, NM_001379095.1, NM_001352598.2 and 6 more transcripts); c.2204G>A, p.Arg735Gln (NM_001330595.2); c.2441G>A, p.Arg814Gln (NM_001352604.2); short protein forms R802Q, R814Q, R735Q.
Identifiers: ClinVar variation 641337 (VCV000641337.6), dbSNP rs772551854, ClinGen allele CA7043510.